The following is an entry in ClinVar:

ClinVar aggregate classification (germline): Uncertain significance (1 of 4 stars; one submission).

Allele frequency attached by ClinVar (database versions not stated): gnomAD exomes below 0.00001.
gnomAD v4.1: 1 of 1,613,372 alleles (0.000062%); highest among the groups gnomAD compares: Non-Finnish European, 0.000085%; no homozygotes.

Submission:

GeneDx
Classification: Uncertain significance. Last evaluated: 2020-02-28. Review status: criteria provided, single submitter. Criteria: GeneDx Variant Classification Process June 2021. Collection method: clinical testing. Allele origin: germline. Affected: yes.
Comment: Not observed in large population cohorts (Lek et al., 2016); In silico analysis supports that this missense variant does not alter protein structure/function; Has not been previously published as pathogenic or benign to our knowledge

NM_001673.5(ASNS):c.712C>A (p.Leu238Ile)

Genes: ASNS (asparagine synthetase (glutamine-hydrolyzing); minus strand), CZ1P-ASNS (CZ1P-ASNS readthrough; minus strand). Cytogenetic location: 7q21.3.
Variant type: single nucleotide variant.
Coding change: c.712C>A on transcript NM_001673.5 (MANE Select); coding-DNA position 712, C replaced by A.
Protein change: p.Leu238Ile; replaces leucine 238 with isoleucine.
Molecular consequence: missense variant. On other transcripts: non-coding transcript variant (1).
Genome position (GRCh38, 1-based): chr7:97,858,917, G>T on the plus strand (C>A on the coding strand, the complement: ASNS is on the minus strand). VCF-style: chr7-97858917-G-T. GRCh37 (hg19) VCF-style: chr7-97488229-G-T.
Other names: c.649C>A, p.Leu217Ile (NM_001178075.2); c.463C>A, p.Leu155Ile (NM_001178076.2, NM_001178077.1); c.712C>A, p.Leu238Ile (NM_001352496.2, NM_133436.3, NM_183356.4); short protein forms L155I, L217I, L238I.
Identifiers: ClinVar variation 1304067 (VCV001304067.2), dbSNP rs1791584426, ClinGen allele CA368268733.
Genomic context (GRCh38, chr7:97,858,917, plus strand): 5'-ATAAAAGGCAGCCAATCCTTCTGTCTGTCATCAAACGTTTCTTTACAGCATTATTAAAAA[G>T]GATCCTGAGGTTGTTCTTCACAGTTTCTATCTCAAAACCTATAAACACAGCAGTAAATCA-3'
Protein context (NP_001664.3, residues 228-248): IETVKNNLRI[Leu238Ile]FNNAVKKRLM